The following is an entry in ClinVar:

ClinVar aggregate classification (germline): Uncertain significance (1 of 4 stars; one submission).

Conditions:
Inborn genetic diseases. Identifiers: MedGen C0950123, MeSH D030342.

Submission:

Ambry Genetics
Classification: Uncertain significance for Inborn genetic diseases. Last evaluated: 2024-05-18. Review status: criteria provided, single submitter. Criteria: Ambry Variant Classification Scheme 2023. Collection method: clinical testing. Allele origin: germline.
Comment: The p.A700S variant (also known as c.2098G>T), located in coding exon 18 of the LRRK2 gene, results from a G to T substitution at nucleotide position 2098. The alanine at codon 700 is replaced by serine, an amino acid with similar properties. This amino acid position is conserved. In addition, the in silico prediction for this alteration is inconclusive. Based on the available evidence, the clinical significance of this variant remains unclear.

NM_198578.4(LRRK2):c.2098G>T (p.Ala700Ser)

Gene: LRRK2 (leucine rich repeat kinase 2; plus strand). Cytogenetic location: 12q12.
Variant type: single nucleotide variant.
Coding change: c.2098G>T on transcript NM_198578.4 (MANE Select); coding-DNA position 2098, G replaced by T.
Protein change: p.Ala700Ser; replaces alanine 700 with serine.
Molecular consequence: missense variant.
Genome position (GRCh38, 1-based): chr12:40,278,118, G>T. VCF-style: chr12-40278118-G-T. GRCh37 (hg19) VCF-style: chr12-40671920-G-T.
Other names: short protein forms A700S.
Identifiers: ClinVar variation 3291887 (VCV003291887.1).